The following is an entry in ClinVar:

ClinVar aggregate classification (germline): Uncertain significance (1 of 4 stars; one submission).

Conditions:
Multiple endocrine neoplasia, type 1 (MEN1). Also called: MEA I; MEN I; WERMER SYNDROME; Endocrine adenomatosis multiple; MEN 1. Identifiers: Orphanet 652, MedGen C0025267, MeSH D018761, MONDO:0007540, OMIM 131100.

Submission:

Labcorp Genetics (formerly Invitae), Labcorp
Classification: Uncertain significance for Multiple endocrine neoplasia, type 1. Last evaluated: 2022-03-14. Review status: criteria provided, single submitter. Criteria: Invitae Variant Classification Sherloc (09022015). Collection method: clinical testing. Allele origin: germline.
Comment: In summary, the available evidence is currently insufficient to determine the role of this variant in disease. Therefore, it has been classified as a Variant of Uncertain Significance. Advanced modeling of protein sequence and biophysical properties (such as structural, functional, and spatial information, amino acid conservation, physicochemical variation, residue mobility, and thermodynamic stability) performed at Invitae indicates that this missense variant is expected to disrupt MEN1 protein function. This variant has not been reported in the literature in individuals affected with MEN1-related conditions. This variant is not present in population databases (gnomAD no frequency). This sequence change replaces alanine, which is neutral and non-polar, with proline, which is neutral and non-polar, at codon 182 of the MEN1 protein (p.Ala182Pro).

NM_001370259.2(MEN1):c.544G>C (p.Ala182Pro)

Gene: MEN1 (menin 1; minus strand). Cytogenetic location: 11q13.1.
Variant type: single nucleotide variant.
Coding change: c.544G>C on transcript NM_001370259.2 (MANE Select); coding-DNA position 544, G replaced by C.
Protein change: p.Ala182Pro; replaces alanine 182 with proline.
Molecular consequence: missense variant.
Genome position (GRCh38, 1-based): chr11:64,808,001, C>G on the plus strand (G>C on the coding strand, the complement: MEN1 is on the minus strand). VCF-style: chr11-64808001-C-G. GRCh37 (hg19) VCF-style: chr11-64575473-C-G.
Other names: c.559G>C, p.Ala187Pro (NM_000244.4, NM_001407145.1, NM_001407150.1 and 5 more transcripts); c.544G>C, p.Ala182Pro (NM_001370251.2, NM_001370260.2, NM_001370261.2 and 12 more transcripts); short protein forms A182P, A187P.
Identifiers: ClinVar variation 1954756 (VCV001954756.5), dbSNP rs1158161740, ClinGen allele CA381185847.